The following is an entry in ClinVar:

ClinVar aggregate classification (germline): Uncertain significance (1 of 4 stars; one submission).

Conditions:
Spastic ataxia 2. Also called: Ataxia, spastic, 2, autosomal recessive. Identifiers: Orphanet 397946, MedGen C1969796, MONDO:0012651, OMIM 611302.

Allele frequency attached by ClinVar (database versions not stated): TOPMed 0.00001.
gnomAD v4.1: 1 of 1,603,814 alleles (0.000062%); highest among the groups gnomAD compares: Non-Finnish European, 0.000085%; no homozygotes.

Submission:

Labcorp Genetics (formerly Invitae), Labcorp
Classification: Uncertain significance for Spastic ataxia 2. Last evaluated: 2019-11-08. Review status: criteria provided, single submitter. Criteria: Invitae Variant Classification Sherloc (09022015). Collection method: clinical testing. Allele origin: germline.
Comment: This sequence change replaces glutamine with histidine at codon 434 of the KIF1C protein (p.Gln434His). The glutamine residue is highly conserved and there is a small physicochemical difference between glutamine and histidine. This variant is not present in population databases (ExAC no frequency). This variant has not been reported in the literature in individuals with KIF1C-related conditions. Algorithms developed to predict the effect of missense changes on protein structure and function output the following: SIFT: "Tolerated"; PolyPhen-2: "Benign"; Align-GVGD: "Class C0". The histidine amino acid residue is found in multiple mammalian species, suggesting that this missense change does not adversely affect protein function. These predictions have not been confirmed by published functional studies and their clinical significance is uncertain. In summary, the available evidence is currently insufficient to determine the role of this variant in disease. Therefore, it has been classified as a Variant of Uncertain Significance.

NM_006612.6(KIF1C):c.1302G>C (p.Gln434His)

Gene: KIF1C (kinesin family member 1C; plus strand). Cytogenetic location: 17p13.2.
Variant type: single nucleotide variant.
Coding change: c.1302G>C on transcript NM_006612.6 (MANE Select); coding-DNA position 1302, G replaced by C.
Protein change: p.Gln434His; replaces glutamine 434 with histidine.
Molecular consequence: missense variant.
Genome position (GRCh38, 1-based): chr17:5,007,051, G>C. VCF-style: chr17-5007051-G-C. GRCh37 (hg19) VCF-style: chr17-4910346-G-C.
Other names: short protein forms Q434H.
Identifiers: ClinVar variation 958342 (VCV000958342.9), dbSNP rs144939400, ClinGen allele CA397349278.
Genomic context (GRCh38, chr17:5,007,051, plus strand): 5'-ATCACCCACCACACATAATGGGGAGCTGGAGCCGTCATTCTCCCCCAACACGGAGTCCCA[G>C]ATTGGGCCTGAGGAAGCCATGGAGAGGCTGCAGGTGGGAAGCTGGAGCTGGCAAGGGCTG-3'
Protein context (NP_006603.2, residues 424-444): EPSFSPNTES[Gln434His]IGPEEAMERL